The following is an entry in ClinVar:

NM_002439.5(MSH3):c.1564_1568+18del

Gene: MSH3 (mutS homolog 3; plus strand). Cytogenetic location: 5q14.1.
Variant type: Deletion.
Coding change: c.1564_1568+18del on transcript NM_002439.5 (MANE Select); coding-DNA position 1564 through 18 bases into the intron after coding-DNA position 1568, 23 bases deleted (CCTGAGTAAGTGATTCCTCCAAA).
Molecular consequence: splice donor variant.
Genome position (GRCh38, 1-based): chr5:80,728,961-80,728,983, CCTGAGTAAGTGATTCCTCCAAA deleted; deleting any 23 consecutive bases within chr5:80,728,954-80,728,983 gives the same sequence; the c. name uses the placement nearest the transcript's 3' end. VCF-style (leftmost placement, unchanged base first): chr5-80728953-TCTCCAAACCTGAGTAAGTGATTC-T. GRCh37 (hg19) VCF-style: chr5-80024772-TCTCCAAACCTGAGTAAGTGATTC-T.
Identifiers: ClinVar variation 3637307 (VCV003637307.3).

ClinVar aggregate classification (germline): Pathogenic/Likely pathogenic. Review status: criteria provided, multiple submitters, no conflicts (2 of 4 stars). 2 submissions from 2 submitters: Pathogenic (1); Likely pathogenic (1). Last evaluated 2025-10-24.

Conditions:
Familial adenomatous polyposis 4 (FAP4). Also called: MSH3-related attenuated familial adenomatous polyposis. Identifiers: Orphanet 480536, MedGen C4310719, MONDO:0044300, OMIM 617100.

Submissions (2):

3billion
Classification: Pathogenic for Familial adenomatous polyposis 4. Last evaluated: 2025-10-24. Review status: criteria provided, single submitter. Criteria: ACMG Guidelines, 2015. Collection method: clinical testing. Allele origin: germline. Affected: yes.
Comment: The variant is not observed in the gnomAD v4.1.0 dataset. Predicted Consequence/Location: Canonical splice site: predicted to alter splicing and result in a loss or disruption of normal protein function. Multiple pathogenic loss-of-function variants are reported downstream of the variant. In silico tools predict the variant to alter splicing and produce an abnormal transcript [SpliceAI: 1.00 (spliceogenicity >=0.2, non-spliceogenicity <0.1)]. The variant has been reported to be associated with MSH3-related disorder (ClinVar ID: VCV003637307). Therefore, this variant is classified as Pathogenic according to the recommendation of ACMG/AMP guideline.

Labcorp Genetics (formerly Invitae), Labcorp
Classification: Likely pathogenic. Last evaluated: 2024-09-28. Review status: criteria provided, single submitter. Criteria: Invitae Variant Classification Sherloc (09022015). Collection method: clinical testing. Allele origin: germline.
Comment: This variant results in the deletion of part of exon 10 of the MSH3 gene. It is expected to disrupt RNA splicing. Variants that disrupt the donor or acceptor splice site typically lead to a loss of protein function (PMID: 16199547), and loss-of-function variants in MSH3 are known to be pathogenic (PMID: 27476653, 37402566). This variant is not present in population databases (gnomAD no frequency). This variant has not been reported in the literature in individuals affected with MSH3-related conditions. In summary, the currently available evidence indicates that the variant is pathogenic, but additional data are needed to prove that conclusively. Therefore, this variant has been classified as Likely Pathogenic.

Literature cited by the submitters: PubMed 16199547 (cited by Labcorp Genetics (formerly Invitae), Labcorp); PubMed 27476653 (cited by Labcorp Genetics (formerly Invitae), Labcorp); PubMed 37402566 (cited by Labcorp Genetics (formerly Invitae), Labcorp).